The following is an entry in ClinVar:

NM_000368.5(TSC1):c.109C>A (p.Arg37Ser)

Gene: TSC1 (TSC complex subunit 1; minus strand). Cytogenetic location: 9q34.13.
Variant type: single nucleotide variant.
Coding change: c.109C>A on transcript NM_000368.5 (MANE Select); coding-DNA position 109, C replaced by A.
Protein change: p.Arg37Ser; replaces arginine 37 with serine.
Molecular consequence: missense variant. On other transcripts: intron variant (1).
Genome position (GRCh38, 1-based): chr9:132,927,302, G>T on the plus strand (C>A on the coding strand, the complement: TSC1 is on the minus strand). VCF-style: chr9-132927302-G-T. GRCh37 (hg19) VCF-style: chr9-135802689-G-T.
Other names: c.109C>A, p.Arg37Ser (NM_001162426.2, NM_001162427.2); c.-154+1465C>A (NM_001362177.2); short protein forms R37S.
Identifiers: ClinVar variation 659465 (VCV000659465.19), dbSNP rs1309560054, ClinGen allele CA375375234.

ClinVar aggregate classification (germline): Conflicting classifications of pathogenicity. Review status: criteria provided, conflicting classifications (1 of 4 stars). 5 submissions from 5 submitters: Uncertain significance (3); Likely benign (2). Last evaluated 2025-07-01.

Conditions:
Hereditary cancer-predisposing syndrome. Also called: Neoplastic Syndromes, Hereditary; Hereditary neoplastic syndrome; Hereditary Cancer Syndrome; Tumor predisposition. Identifiers: Orphanet 140162, MedGen C0027672, MeSH D009386, MONDO:0015356.
Tuberous sclerosis syndrome (TSC). Also called: Tuberous sclerosis; Tuberous Sclerosis Complex. Identifiers: Orphanet 805, MedGen C0041341, MONDO:0001734.
Tuberous sclerosis 1 (TSC1). Identifiers: Orphanet 805, MedGen C1854465, MONDO:0008612, OMIM 191100.

Submissions (5):

Labcorp Genetics (formerly Invitae), Labcorp
Classification: Likely benign for Tuberous sclerosis 1. Last evaluated: 2025-07-01. Review status: criteria provided, single submitter. Criteria: Invitae Variant Classification Sherloc (09022015). Collection method: clinical testing. Allele origin: germline.

Color Diagnostics, LLC DBA Color Health
Classification: Uncertain significance for Tuberous sclerosis syndrome. Last evaluated: 2025-06-23. Review status: criteria provided, single submitter. Criteria: ACMG Guidelines, 2015. Collection method: clinical testing. Allele origin: germline.
Comment: This missense variant replaces arginine with serine at codon 37 of the TSC1 protein. Computational prediction suggests that this variant may have deleterious impact on protein structure and function. To our knowledge, functional studies have not been reported for this variant. This variant has not been reported in individuals affected with TSC1-related disorders in the literature. This variant has not been identified in the general population by the Genome Aggregation Database (gnomAD). The available evidence is insufficient to determine the role of this variant in disease conclusively. Therefore, this variant is classified as a Variant of Uncertain Significance.

GeneDx
Classification: Uncertain significance. Last evaluated: 2025-03-18. Review status: criteria provided, single submitter. Criteria: GeneDx Variant Classification Process June 2021. Collection method: clinical testing. Allele origin: germline. Affected: yes.
Comment: Not observed at significant frequency in large population cohorts (gnomAD); In silico analysis suggests this variant may impact gene splicing. In the absence of RNA/functional studies, the actual effect of this sequence change is unknown.; In silico analysis supports that this missense variant has a deleterious effect on protein structure/function; Has not been previously published as pathogenic or benign to our knowledge

Ambry Genetics
Classification: Uncertain significance for Hereditary cancer-predisposing syndrome. Last evaluated: 2024-12-17. Review status: criteria provided, single submitter. Criteria: Ambry Variant Classification Scheme 2023. Collection method: clinical testing. Allele origin: germline.
Comment: The p.R37S variant (also known as c.109C>A), located in coding exon 2 of the TSC1 gene, results from a C to A substitution at nucleotide position 109. The arginine at codon 37 is replaced by serine, an amino acid with dissimilar properties. This amino acid position is highly conserved in available vertebrate species. In addition, this alteration is predicted to be deleterious by BayesDel in silico analysis. Since supporting evidence is limited at this time, the clinical significance of this alteration remains unclear.

Genome-Nilou Lab
Classification: Likely benign for Tuberous sclerosis 1. Last evaluated: 2021-11-07. Review status: criteria provided, single submitter. Criteria: ACMG Guidelines, 2015. Collection method: clinical testing. Allele origin: germline. Affected: no.